The following is an entry in ClinVar:

NM_015666.4(MTG2):c.105G>T (p.Leu35=)

Gene: MTG2 (mitochondrial ribosome associated GTPase 2; plus strand). Cytogenetic location: 20q13.33.
Variant type: single nucleotide variant.
Coding change: c.105G>T on transcript NM_015666.4 (MANE Select); coding-DNA position 105, G replaced by T.
Protein change: p.Leu35=; no amino-acid change (leucine 35 retained).
Molecular consequence: synonymous variant. On other transcripts: non-coding transcript variant (9).
Genome position (GRCh38, 1-based): chr20:62,193,525, G>T. VCF-style: chr20-62193525-G-T. GRCh37 (hg19) VCF-style: chr20-60768581-G-T.
Other names: c.105G>T, p.Leu35= (NM_001384347.1, NM_001384348.1).
Identifiers: ClinVar variation 2652468 (VCV002652468.24), dbSNP rs150975089, ClinGen allele CA9937532.

ClinVar aggregate classification (germline): Likely benign (1 of 4 stars; one submission).

Allele frequency attached by ClinVar (database versions not stated): gnomAD exomes 0.00048; gnomAD 0.00063; TOPMed 0.00063; ExAC 0.00080; ESP Exome Variant Server 0.00092.
gnomAD v4.1: 841 of 1,614,036 alleles (0.052%); highest among the groups gnomAD compares: Admixed American, 0.038%; 1 homozygote.

Submission:

CeGaT Center for Human Genetics Tuebingen
Classification: Likely benign. Last evaluated: 2022-09-01. Review status: criteria provided, single submitter. Criteria: CeGaT Center For Human Genetics Tuebingen Variant Classification Criteria Version 2. Collection method: clinical testing. Allele origin: germline. Affected: yes. Observed: 1 variant allele.
Comment: MTG2: BP4, BP7